The following is an entry in ClinVar:

NM_021922.3(FANCE):c.856-3C>T

Gene: FANCE (FA complementation group E; plus strand). Cytogenetic location: 6p21.31.
Variant type: single nucleotide variant.
Coding change: c.856-3C>T on transcript NM_021922.3 (MANE Select); 3 bases into the intron before coding-DNA position 856, C replaced by T.
Molecular consequence: intron variant.
Genome position (GRCh38, 1-based): chr6:35,457,553, C>T. VCF-style: chr6-35457553-C-T. GRCh37 (hg19) VCF-style: chr6-35425330-C-T.
Identifiers: ClinVar variation 471932 (VCV000471932.7), dbSNP rs749111562, ClinGen allele CA3771504.

ClinVar aggregate classification (germline): Uncertain significance. Review status: criteria provided, multiple submitters, no conflicts (2 of 4 stars). 2 submissions from 2 submitters: Uncertain significance (2). Last evaluated 2025-06-18.

Conditions:
Fanconi anemia complementation group E (FANCE). Also called: FANCE-Related Fanconi Anemia. Identifiers: Orphanet 84, MedGen C3160739, MONDO:0010953, OMIM 600901.

Allele frequency attached by ClinVar (database versions not stated): gnomAD exomes 0.00002 and 0.00005; ExAC 0.00006.
gnomAD v4.1: 10 of 1,613,818 alleles (0.00062%); highest among the groups gnomAD compares: Admixed American, 0.017%; no homozygotes.

Submissions (2):

Labcorp Genetics (formerly Invitae), Labcorp
Classification: Uncertain significance for Fanconi anemia complementation group E. Last evaluated: 2025-06-18. Review status: criteria provided, single submitter. Criteria: Invitae Variant Classification Sherloc (09022015). Collection method: clinical testing. Allele origin: germline.
Comment: This sequence change falls in intron 2 of the FANCE gene. It does not directly change the encoded amino acid sequence of the FANCE protein. It affects a nucleotide within the consensus splice site. This variant is present in population databases (rs749111562, gnomAD 0.03%). This variant has not been reported in the literature in individuals affected with FANCE-related conditions. ClinVar contains an entry for this variant (Variation ID: 471932). Variants that disrupt the consensus splice site are a relatively common cause of aberrant splicing (PMID: 17576681, 9536098). Algorithms developed to predict the effect of sequence changes on RNA splicing suggest that this variant may disrupt the consensus splice site. In summary, the available evidence is currently insufficient to determine the role of this variant in disease. Therefore, it has been classified as a Variant of Uncertain Significance.

Fulgent Genetics
Classification: Uncertain significance for Fanconi anemia complementation group E. Last evaluated: 2022-05-09. Review status: criteria provided, single submitter. Criteria: ACMG Guidelines, 2015. Collection method: clinical testing. Allele origin: unknown.

Literature cited by the submitters: PubMed 17576681 (cited by Labcorp Genetics (formerly Invitae), Labcorp); PubMed 9536098 (cited by Labcorp Genetics (formerly Invitae), Labcorp).